The following is an entry in ClinVar:

ClinVar aggregate classification (germline): Pathogenic. Review status: criteria provided, multiple submitters, no conflicts (2 of 4 stars). 2 submissions from 2 submitters: Pathogenic (2). Last evaluated 2025-04-10.

Conditions:
Hereditary nonpolyposis colorectal neoplasms. Identifiers: MedGen C0009405, MeSH D003123.
Lynch syndrome 5 (LYNCH5). Also called: Hereditary non-polyposis colorectal cancer, type 5; Colorectal cancer, hereditary nonpolyposis, type 5. Identifiers: Orphanet 144, MedGen C1833477, MONDO:0013710, OMIM 614350. Disease mechanism: loss of function.

gnomAD v4.1: 1 of 1,610,876 alleles (0.000062%); no homozygotes.

Submissions (2):

Myriad Genetics, Inc.
Classification: Pathogenic for Lynch syndrome 5. Last evaluated: 2025-04-10. Review status: criteria provided, single submitter. Criteria: Myriad Autosomal Dominant, Autosomal Recessive and X-Linked Classification Criteria (2023). Collection method: clinical testing. Allele origin: unknown.
Comment: This variant is considered pathogenic. This variant creates a termination codon and is predicted to result in premature protein truncation.

Labcorp Genetics (formerly Invitae), Labcorp
Classification: Pathogenic for Hereditary nonpolyposis colorectal neoplasms. Last evaluated: 2017-04-22. Review status: criteria provided, single submitter. Criteria: Invitae Variant Classification Sherloc (09022015). Collection method: clinical testing. Allele origin: germline.
Comment: This sequence change creates a premature translational stop signal at codon 1053 (p.Cys1053*) of the MSH6 gene. It is expected to result in an absent or disrupted protein product. While this particular variant has not been reported in the literature, loss-of-function variants in MSH6 are known to be pathogenic (PMID: 24362816, 18269114). For these reasons, this variant has been classified as Pathogenic.

Literature cited by the submitters: PubMed 24362816 (cited by Labcorp Genetics (formerly Invitae), Labcorp); PubMed 18269114 (cited by Labcorp Genetics (formerly Invitae), Labcorp).

NM_000179.3(MSH6):c.3159T>A (p.Cys1053Ter)

Gene: MSH6 (mutS homolog 6; plus strand). Cytogenetic location: 2p16.3.
Variant type: single nucleotide variant.
Coding change: c.3159T>A on transcript NM_000179.3 (MANE Select); coding-DNA position 3159, T replaced by A.
Protein change: p.Cys1053Ter; replaces cysteine 1053 with a stop codon.
Molecular consequence: nonsense.
Genome position (GRCh38, 1-based): chr2:47,801,142, T>A. VCF-style: chr2-47801142-T-A. GRCh37 (hg19) VCF-style: chr2-48028281-T-A.
Other names: c.2769T>A, p.Cys923Ter (NM_001281492.2); c.2253T>A, p.Cys751Ter (NM_001281493.2, NM_001281494.2); short protein forms C1053*, C751*, C923*.
Identifiers: ClinVar variation 455236 (VCV000455236.8), dbSNP rs767021188, ClinGen allele CA346756727.
Genomic context (GRCh38, chr2:47,801,142, plus strand): 5'-GCGGCGACTGTTCTATAACTTTGATAAAAATTACAAGGACTGGCAGTCTGCTGTAGAGTG[T>A]ATCGCAGTGTTGGGTAAGACTTTGAACAAGCTTGTTCTCAGGCTTTGATAAGTAGTGCTG-3'